The following is an entry in ClinVar:

NM_182699.4(DDX53):c.1622A>C (p.Asn541Thr)

Genes: DDX53 (DEAD-box helicase 53; plus strand), PTCHD1-AS (PTCHD1 and PHEX antisense RNA; minus strand). Cytogenetic location: Xp22.11.
Variant type: single nucleotide variant.
Coding change: c.1622A>C on transcript NM_182699.4 (MANE Select); coding-DNA position 1622, A replaced by C.
Protein change: p.Asn541Thr; replaces asparagine 541 with threonine.
Molecular consequence: missense variant.
Genome position (GRCh38, 1-based): chrX:23,001,679, A>C. VCF-style: chrX-23001679-A-C. GRCh37 (hg19) VCF-style: chrX-23019796-A-C.
Other names: short protein forms N541T.
Identifiers: ClinVar variation 4083128 (VCV004083128.2).

ClinVar aggregate classification (germline): Uncertain significance (1 of 4 stars; one submission).

Submission:

GeneDx
Classification: Uncertain significance. Last evaluated: 2026-04-19. Review status: criteria provided, single submitter. Criteria: GeneDx Variant Classification Process June 2021. Collection method: clinical testing. Allele origin: germline.
Comment: Not observed at significant frequency in large population cohorts (gnomAD); In silico analysis supports that this missense variant has a deleterious effect on protein structure/function; Has not been previously published as pathogenic or benign to our knowledge